The following is an entry in ClinVar:

ClinVar aggregate classification (germline): Pathogenic (1 of 4 stars; one submission).

Conditions:
Werner syndrome (WRN). Identifiers: Orphanet 902, MedGen C0043119, MONDO:0010196, OMIM 277700.

Submission:

Labcorp Genetics (formerly Invitae), Labcorp
Classification: Pathogenic for Werner syndrome. Last evaluated: 2020-03-24. Review status: criteria provided, single submitter. Criteria: Invitae Variant Classification Sherloc (09022015). Collection method: clinical testing. Allele origin: germline.
Comment: Loss-of-function variants in WRN are known to be pathogenic (PMID: 16673358). For these reasons, this variant has been classified as Pathogenic. This variant has not been reported in the literature in individuals with WRN-related conditions. This sequence change creates a premature translational stop signal (p.Ile1124Valfs*2) in the WRN gene. It is expected to result in an absent or disrupted protein product. This variant is not present in population databases (ExAC no frequency).

Literature cited by the submitters: PubMed 16673358.

NM_000553.6(WRN):c.3310-1_3369dup

Gene: WRN (WRN RecQ like helicase; plus strand). Cytogenetic location: 8p12.
Variant type: Duplication.
Coding change: c.3310-1_3369dup on transcript NM_000553.6 (MANE Select); the canonical splice acceptor site of the intron before coding-DNA position 3310 through coding-DNA position 3369, 61 bases duplicated.
Molecular consequence: splice acceptor variant.
Genome position (GRCh38, 1-based): chr8:31,143,549-31,143,609, 61 bases duplicated. GRCh37 (hg19): chr8:31,001,065-31,001,125.
Identifiers: ClinVar variation 1071111 (VCV001071111.5), dbSNP rs2130426690, ClinGen allele CA2499219269.